The following is an entry in ClinVar:

ClinVar aggregate classification (germline): Uncertain significance (1 of 4 stars; one submission).

Conditions:
PKD1-related disorder. Also called: PKD1-related condition.

Submission:

PreventionGenetics, part of Exact Sciences
Classification: Uncertain significance for PKD1-related condition. Last evaluated: 2026-03-23. Review status: criteria provided, single submitter. Criteria: ACMG Guidelines, 2015. Collection method: clinical testing. Allele origin: germline.
Comment: The PKD1 c.436C>T variant is predicted to result in the amino acid substitution p.Arg146Trp. To our knowledge, this variant has not been reported in the literature or in a large population database (gnomAD), indicating this variant is rare. At this time, the clinical significance of this variant is uncertain due to the absence of conclusive functional and genetic evidence.

NM_001009944.3(PKD1):c.436C>T (p.Arg146Trp)

Gene: PKD1 (polycystin 1, transient receptor potential channel interacting; minus strand). Cytogenetic location: 16p13.3.
Variant type: single nucleotide variant.
Coding change: c.436C>T on transcript NM_001009944.3 (MANE Select); coding-DNA position 436, C replaced by T.
Protein change: p.Arg146Trp; replaces arginine 146 with tryptophan.
Molecular consequence: missense variant.
Genome position (GRCh38, 1-based): chr16:2,118,769, G>A on the plus strand (C>T on the coding strand, the complement: PKD1 is on the minus strand). VCF-style: chr16-2118769-G-A. GRCh37 (hg19) VCF-style: chr16-2168770-G-A.
Other names: c.436C>T, p.Arg146Trp (NM_000296.4); short protein forms R146W.
Identifiers: ClinVar variation 4988103 (VCV004988103.1).